The following is an entry in ClinVar:

ClinVar aggregate classification (germline): Uncertain significance (1 of 4 stars; one submission).

Conditions:
Imerslund-Grasbeck syndrome. Also called: Imerslund-Gräsbeck syndrome; Megaloblastic anemia due to inborn errors of metabolism; ENTEROCYTE COBALAMIN MALABSORPTION; ENTEROCYTE INTRINSIC FACTOR RECEPTOR, DEFECT OF; PERNICIOUS ANEMIA, JUVENILE, DUE TO SELECTIVE INTESTINAL MALABSORPTION OF VITAMIN B12, WITH PROTEINURIA. Identifiers: Orphanet 35858, MedGen C4551825, MONDO:0009853.

Allele frequency attached by ClinVar (database versions not stated): gnomAD exomes below 0.00001; gnomAD 0.00001.
gnomAD v4.1: 7 of 1,613,978 alleles (0.00043%); highest among the groups gnomAD compares: Non-Finnish European, 0.00059%; no homozygotes.

Submission:

Labcorp Genetics (formerly Invitae), Labcorp
Classification: Uncertain significance for Imerslund-Grasbeck syndrome. Last evaluated: 2022-05-03. Review status: criteria provided, single submitter. Criteria: Invitae Variant Classification Sherloc (09022015). Collection method: clinical testing. Allele origin: germline.
Comment: In summary, the available evidence is currently insufficient to determine the role of this variant in disease. Therefore, it has been classified as a Variant of Uncertain Significance. Algorithms developed to predict the effect of missense changes on protein structure and function (SIFT, PolyPhen-2, Align-GVGD) all suggest that this variant is likely to be disruptive. This variant has not been reported in the literature in individuals affected with CUBN-related conditions. This variant is not present in population databases (gnomAD no frequency). This sequence change replaces glycine, which is neutral and non-polar, with cysteine, which is neutral and slightly polar, at codon 1773 of the CUBN protein (p.Gly1773Cys).

NM_001081.4(CUBN):c.5317G>T (p.Gly1773Cys)

Gene: CUBN (cubilin; minus strand). Cytogenetic location: 10p13.
Variant type: single nucleotide variant.
Coding change: c.5317G>T on transcript NM_001081.4 (MANE Select); coding-DNA position 5317, G replaced by T.
Protein change: p.Gly1773Cys; replaces glycine 1773 with cysteine.
Molecular consequence: missense variant.
Genome position (GRCh38, 1-based): chr10:16,947,260, C>A on the plus strand (G>T on the coding strand, the complement: CUBN is on the minus strand). VCF-style: chr10-16947260-C-A. GRCh37 (hg19) VCF-style: chr10-16989259-C-A.
Other names: short protein forms G1773C.
Identifiers: ClinVar variation 2073905 (VCV002073905.4), dbSNP rs1564440503, ClinGen allele CA376159713.